The following is an entry in ClinVar:

NM_206933.4(USH2A):c.11225A>G (p.Asn3742Ser)

Gene: USH2A (usherin; minus strand). Cytogenetic location: 1q41.
Variant type: single nucleotide variant.
Coding change: c.11225A>G on transcript NM_206933.4 (MANE Select); coding-DNA position 11225, A replaced by G.
Protein change: p.Asn3742Ser; replaces asparagine 3742 with serine.
Molecular consequence: missense variant.
Genome position (GRCh38, 1-based): chr1:215,759,666, T>C on the plus strand (A>G on the coding strand, the complement: USH2A is on the minus strand). VCF-style: chr1-215759666-T-C. GRCh37 (hg19) VCF-style: chr1-215933008-T-C.
Other names: short protein forms N3742S.
Identifiers: ClinVar variation 48368 (VCV000048368.24), dbSNP rs139921272, ClinGen allele CA143249.
Genomic context (GRCh38, chr1:215,759,666, plus strand): 5'-CAGAGAAATGTACAAATCCTGCTGTATGATTGGTAAAGTTTTCTTTTAGTTTACCTGCTA[T>C]TGGGCTCCAGGTTTTTATCAGTGAAATTCTGCTCCTCACTGCCACCCAGGAAAAGCAAGT-3'
Protein context (NP_996816.3, residues 3732-3752): QNFTDKNLEP[Asn3742Ser]SRYTYKLEVK

ClinVar aggregate classification (germline): Conflicting classifications of pathogenicity. Review status: criteria provided, conflicting classifications (1 of 4 stars). 6 submissions from 6 submitters: Uncertain significance (3); Likely benign (2). 1 of the submissions does not count toward it. Last evaluated 2026-02-01.

Conditions:
USH2A-related disorder. Also called: USH2A-related condition; USH2A-related disorders. Identifiers: MedGen CN239332.

Allele frequency attached by ClinVar (database versions not stated): gnomAD exomes 0.00018; ExAC 0.00026; ESP Exome Variant Server 0.00054; TOPMed 0.00056; gnomAD 0.00059 and 0.00065; 1000 Genomes Project 0.00060; 1000 Genomes Project 30x 0.00062.
gnomAD v4.1: 182 of 1,613,996 alleles (0.011%); highest among the groups gnomAD compares: African/African-American, 0.21%; no homozygotes.

Submissions (6):

Labcorp Genetics (formerly Invitae), Labcorp
Classification: Likely benign. Last evaluated: 2026-02-01. Review status: criteria provided, single submitter. Criteria: Invitae Variant Classification Sherloc (09022015). Collection method: clinical testing. Allele origin: germline.

GeneDx
Classification: Uncertain significance. Last evaluated: 2025-07-02. Review status: criteria provided, single submitter. Criteria: GeneDx Variant Classification Process June 2021. Collection method: clinical testing. Allele origin: germline.
Comment: In silico analysis supports that this missense variant has a deleterious effect on protein structure/function; Has not been previously published as pathogenic or benign to our knowledge

Blueprint Genetics
Classification: Uncertain significance. Last evaluated: 2022-09-15. Review status: criteria provided, single submitter. Criteria: ACMG Guidelines, 2015. Collection method: clinical testing. Allele origin: germline.

Laboratory for Molecular Medicine, Mass General Brigham Personalized Medicine
Classification: Likely benign. Last evaluated: 2018-04-17. Review status: criteria provided, single submitter. Criteria: LMM Criteria. Collection method: clinical testing. Allele origin: germline. Observed: 2 variant alleles.
Comment: p.Asn3742Ser in exon 57 of USH2A: This variant is not expected to have clinical significance because it has been identified in 0.21% (50/24030) of African chrom osomes by the Genome Aggregation Database (gnomAD. org/; dbSNP rs139921272). In addition, computational prediction tools do not sug gest a high likelihood of impact to the protein. ACMG/AMP Criteria applied: BS1_ Supporting; BP4.

Eurofins Ntd Llc (ga)
Classification: Uncertain significance. Last evaluated: 2017-01-18. Review status: criteria provided, single submitter. Criteria: EGL Classification Definitions 2015. Collection method: clinical testing. Allele origin: germline. Observed: 1 variant allele, 1 heterozygote.

PreventionGenetics, part of Exact Sciences
Classification: Likely benign for USH2A-related condition. Last evaluated: 2024-09-27. Review status: no assertion criteria provided. Collection method: clinical testing. Allele origin: germline. Not counted in ClinVar's aggregate classification.
Comment: This variant is classified as likely benign based on ACMG/AMP sequence variant interpretation guidelines (Richards et al. 2015 PMID: 25741868, with internal and published modifications).